The following is an entry in ClinVar:

NM_201384.3(PLEC):c.11126C>T (p.Ala3709Val)

Gene: PLEC (plectin; minus strand). Cytogenetic location: 8q24.3.
Variant type: single nucleotide variant.
Coding change: c.11126C>T on transcript NM_201384.3 (MANE Select); coding-DNA position 11126, C replaced by T.
Protein change: p.Ala3709Val; replaces alanine 3709 with valine.
Molecular consequence: missense variant.
Genome position (GRCh38, 1-based): chr8:143,918,695, G>A on the plus strand (C>T on the coding strand, the complement: PLEC is on the minus strand). VCF-style: chr8-143918695-G-A. GRCh37 (hg19) VCF-style: chr8-144992863-G-A.
Other names: c.11207C>T, p.Ala3736Val (NM_000445.5); c.11084C>T, p.Ala3695Val (NM_201378.4); c.11060C>T, p.Ala3687Val (NM_201379.3); c.11537C>T, p.Ala3846Val (NM_201380.4); c.11030C>T, p.Ala3677Val (NM_201381.3); c.11126C>T, p.Ala3709Val (NM_201382.4); c.11138C>T, p.Ala3713Val (NM_201383.3); short protein forms A3846V, A3677V, A3695V, A3709V, A3713V, A3687V, A3736V.
Identifiers: ClinVar variation 1410898 (VCV001410898.6), dbSNP rs1039508621, ClinGen allele CA187608366.

ClinVar aggregate classification (germline): Uncertain significance (1 of 4 stars; one submission).

Conditions:
Epidermolysis bullosa simplex 5B, with muscular dystrophy (EBS5B). Also called: EPIDERMOLYSIS BULLOSA SIMPLEX AND LIMB-GIRDLE MUSCULAR DYSTROPHY; Epidermolysis bullosa simplex with muscular dystrophy. Identifiers: Orphanet 257, MedGen C2931072, MONDO:0009181, OMIM 226670.
Epidermolysis bullosa simplex, Ogna type (EBS5A). Also called: EPIDERMOLYSIS BULLOSA SIMPLEX 5A, OGNA TYPE; Pidermolysis bullosa simplex 5A, Ogna type. Identifiers: Orphanet 79401, MedGen C0432317, MONDO:0007555, OMIM 131950.
Epidermolysis bullosa simplex with nail dystrophy (EBS5D). Identifiers: MedGen C4225309, MONDO:0014661, OMIM 616487.
Autosomal recessive limb-girdle muscular dystrophy type 2Q (LGMDR17). Also called: MUSCULAR DYSTROPHY, LIMB-GIRDLE, AUTOSOMAL RECESSIVE 17. Identifiers: Orphanet 254361, MedGen C3150989, MONDO:0013390, OMIM 613723.
Epidermolysis bullosa simplex 5C, with pyloric atresia (EBS5C). Also called: Epidermolysis bullosa simplex with pyloric atresia; PLEC-Related Epidermolysis Bullosa with Pyloric Atresia; PLEC1-Related Epidermolysis Bullosa with Pyloric Atresia. Identifiers: Orphanet 158684, MedGen C2677349, MONDO:0012807, OMIM 612138.

Allele frequency attached by ClinVar (database versions not stated): gnomAD exomes 0.00001.

Submission:

Labcorp Genetics (formerly Invitae), Labcorp
Classification: Uncertain significance for Autosomal recessive limb-girdle muscular dystrophy type 2Q; Epidermolysis bullosa simplex, Ogna type; Epidermolysis bullosa simplex with nail dystrophy; Epidermolysis bullosa simplex 5C, with pyloric atresia; Epidermolysis bullosa simplex 5B, with muscular dystrophy. Last evaluated: 2025-03-31. Review status: criteria provided, single submitter. Criteria: Invitae Variant Classification Sherloc (09022015). Collection method: clinical testing. Allele origin: germline.
Comment: This sequence change replaces alanine, which is neutral and non-polar, with valine, which is neutral and non-polar, at codon 3736 of the PLEC protein (p.Ala3736Val). This variant is not present in population databases (gnomAD no frequency). This variant has not been reported in the literature in individuals affected with PLEC-related conditions. ClinVar contains an entry for this variant (Variation ID: 1410898). An algorithm developed to predict the effect of missense changes on protein structure and function (PolyPhen-2) suggests that this variant is likely to be disruptive. In summary, the available evidence is currently insufficient to determine the role of this variant in disease. Therefore, it has been classified as a Variant of Uncertain Significance.